The following is an entry in ClinVar:

ClinVar aggregate classification (germline): Uncertain significance (1 of 4 stars; one submission).

Allele frequency attached by ClinVar (database versions not stated): ESP Exome Variant Server 0.00008.

Submission:

Ambry Genetics
Classification: Uncertain significance. Last evaluated: 2023-09-28. Review status: criteria provided, single submitter. Criteria: Ambry Variant Classification Scheme 2023. Collection method: clinical testing. Allele origin: germline.
Comment: The p.H208R variant (also known as c.623A>G), located in coding exon 5 of the RINT1 gene, results from an A to G substitution at nucleotide position 623. The histidine at codon 208 is replaced by arginine, an amino acid with highly similar properties. This amino acid position is highly conserved in available vertebrate species. In addition, this alteration is predicted to be tolerated by in silico analysis. Since supporting evidence is limited at this time, the clinical significance of this alteration remains unclear.

NM_021930.6(RINT1):c.623A>G (p.His208Arg)

Gene: RINT1 (RAD50 interactor 1; plus strand). Cytogenetic location: 7q22.3.
Variant type: single nucleotide variant.
Coding change: c.623A>G on transcript NM_021930.6 (MANE Select); coding-DNA position 623, A replaced by G.
Protein change: p.His208Arg; replaces histidine 208 with arginine.
Molecular consequence: missense variant. On other transcripts: 5 prime UTR variant (2), non-coding transcript variant (1), intron variant (1).
Genome position (GRCh38, 1-based): chr7:105,547,017, A>G. VCF-style: chr7-105547017-A-G. GRCh37 (hg19) VCF-style: chr7-105187464-A-G.
Other names: c.389A>G, p.His130Arg (NM_001346599.2); c.-397A>G (NM_001346600.2); c.-300A>G (NM_001346601.2); c.-27-3038A>G (NM_001346603.2); short protein forms H208R, H130R.
Identifiers: ClinVar variation 1752370 (VCV001752370.2), dbSNP rs144463752, ClinGen allele CA164055218.
Genomic context (GRCh38, chr7:105,547,017, plus strand): 5'-CCTCCACTCTAGTGTCTATGGCAGAACTTGACATTAAACTTCAGGAATCATCTTGTACTC[A>G]TCTTCTTGGTTTCATGAGAGCCACAGTTAAATTCTGGCATAAAATTCTCAAGGACAAGCT-3'
Protein context (NP_068749.3, residues 198-218): DIKLQESSCT[His208Arg]LLGFMRATVK